The following is an entry in ClinVar:

ClinVar aggregate classification (germline): Uncertain significance (1 of 4 stars; one submission).

Conditions:
Multiple endocrine neoplasia, type 2 (MEN2). Identifiers: Orphanet 653, MedGen C4048306, MONDO:0019003. Disease mechanism: gain of function.

Submission:

Labcorp Genetics (formerly Invitae), Labcorp
Classification: Uncertain significance for Multiple endocrine neoplasia, type 2. Last evaluated: 2018-09-06. Review status: criteria provided, single submitter. Criteria: Invitae Variant Classification Sherloc (09022015). Collection method: clinical testing. Allele origin: germline.
Comment: This sequence change replaces phenylalanine with tyrosine at codon 419 of the RET protein (p.Phe419Tyr). The phenylalanine residue is weakly conserved and there is a small physicochemical difference between phenylalanine and tyrosine. This variant is not present in population databases (ExAC no frequency). This variant has not been reported in the literature in individuals with RET-related disease. Algorithms developed to predict the effect of missense changes on protein structure and function output the following: SIFT: "Tolerated"; PolyPhen-2: "Benign"; Align-GVGD: "Class C0". The tyrosine amino acid residue is found in multiple mammalian species, suggesting that this missense change does not adversely affect protein function. These predictions have not been confirmed by published functional studies and their clinical significance is uncertain. In summary, the available evidence is currently insufficient to determine the role of this variant in disease. Therefore, it has been classified as a Variant of Uncertain Significance.

NM_020975.6(RET):c.1256T>A (p.Phe419Tyr)

Gene: RET (ret proto-oncogene; plus strand). Cytogenetic location: 10q11.21.
Variant type: single nucleotide variant.
Coding change: c.1256T>A on transcript NM_020975.6 (MANE Select); coding-DNA position 1256, T replaced by A.
Protein change: p.Phe419Tyr; replaces phenylalanine 419 with tyrosine.
Molecular consequence: missense variant.
Genome position (GRCh38, 1-based): chr10:43,109,223, T>A. VCF-style: chr10-43109223-T-A. GRCh37 (hg19) VCF-style: chr10-43604671-T-A.
Other names: c.1256T>A, p.Phe419Tyr (NM_000323.2, NM_001406743.1, NM_001406744.1 and 6 more transcripts); c.494T>A, p.Phe165Tyr (NM_001355216.2); c.1127T>A, p.Phe376Tyr (NM_001406761.1, NM_001406762.1, NM_001406764.1 and 1 more transcripts); c.968T>A, p.Phe323Tyr (NM_001406766.1, NM_001406767.1, NM_001406770.1); c.818T>A, p.Phe273Tyr (NM_001406771.1, NM_001406773.1); c.530T>A, p.Phe177Tyr (NM_001406775.1, NM_001406776.1, NM_001406777.1 and 1 more transcripts); c.266T>A, p.Phe89Tyr (NM_001406784.1); short protein forms F419Y, F165Y, F273Y, F323Y, F89Y, F177Y, F376Y.
Identifiers: ClinVar variation 651594 (VCV000651594.9), dbSNP rs1588869586, ClinGen allele CA376548089.